The following is an entry in ClinVar:

NM_004046.6(ATP5F1A):c.1176+200A>G

Gene: ATP5F1A (ATP synthase F1 subunit alpha; minus strand). Cytogenetic location: 18q21.1.
Variant type: single nucleotide variant.
Coding change: c.1176+200A>G on transcript NM_004046.6 (MANE Select); 200 bases into the intron after coding-DNA position 1176, A replaced by G.
Molecular consequence: intron variant.
Genome position (GRCh38, 1-based): chr18:46,086,808, T>C on the plus strand (A>G on the coding strand, the complement: ATP5F1A is on the minus strand). VCF-style: chr18-46086808-T-C. GRCh37 (hg19) VCF-style: chr18-43666774-T-C.
Other names: c.1176+200A>G (NM_001001937.2); c.1110+200A>G (NM_001257334.2); c.1026+200A>G (NM_001001935.3, NM_001257335.2).
Identifiers: ClinVar variation 683334 (VCV000683334.2), dbSNP rs8094902, ClinGen allele CA14573245.

ClinVar aggregate classification (germline): Benign. Review status: criteria provided, multiple submitters, no conflicts (2 of 4 stars). 2 submissions from 2 submitters: Benign (2). Last evaluated 2018-06-14.

Allele frequency attached by ClinVar (database versions not stated): 1000 Genomes Project 0.31589; 1000 Genomes Project 30x 0.32339; TOPMed 0.37696; gnomAD 0.38521 and 0.38759; gnomAD exomes 0.39460.
gnomAD v4.1: 251,432 of 640,504 alleles (39%); highest among the groups gnomAD compares: Middle Eastern, 51%; 52,163 homozygotes.

Submissions (2):

GeneDx
Classification: Benign. Last evaluated: 2018-06-14. Review status: criteria provided, single submitter. Criteria: GeneDx Variant Classification (06012015). Collection method: clinical testing. Allele origin: germline. Affected: yes.
Comment: This variant is considered likely benign or benign based on one or more of the following criteria: it is a conservative change, it occurs at a poorly conserved position in the protein, it is predicted to be benign by multiple in silico algorithms, and/or has population frequency not consistent with disease.

Breakthrough Genomics
Classification: Benign. Review status: criteria provided, single submitter. Criteria: ACMG Guidelines, 2015. Collection method: not provided. Allele origin: germline. Inheritance: Autosomal recessive inheritance. Affected: yes.